The following is an entry in ClinVar:

NM_001330311.2(DVL1):c.587A>C (p.Glu196Ala)

Gene: DVL1 (dishevelled segment polarity protein 1; minus strand). Cytogenetic location: 1p36.33.
Variant type: single nucleotide variant.
Coding change: c.587A>C on transcript NM_001330311.2 (MANE Select); coding-DNA position 587, A replaced by C.
Protein change: p.Glu196Ala; replaces glutamic acid 196 with alanine.
Molecular consequence: missense variant.
Genome position (GRCh38, 1-based): chr1:1,341,685, T>G on the plus strand (A>C on the coding strand, the complement: DVL1 is on the minus strand). VCF-style: chr1-1341685-T-G. GRCh37 (hg19) VCF-style: chr1-1277065-T-G.
Other names: c.587A>C, p.Glu196Ala (NM_004421.3); short protein forms E196A.
Identifiers: ClinVar variation 3618689 (VCV003618689.2).

ClinVar aggregate classification (germline): Uncertain significance (1 of 4 stars; one submission).

gnomAD v4.1: 101 of 1,606,240 alleles (0.0063%); highest among the groups gnomAD compares: Non-Finnish European, 0.0085%; no homozygotes.

Submission:

Labcorp Genetics (formerly Invitae), Labcorp
Classification: Uncertain significance. Last evaluated: 2024-10-07. Review status: criteria provided, single submitter. Criteria: Invitae Variant Classification Sherloc (09022015). Collection method: clinical testing. Allele origin: germline.
Comment: This sequence change replaces glutamic acid, which is acidic and polar, with alanine, which is neutral and non-polar, at codon 196 of the DVL1 protein (p.Glu196Ala). This variant is present in population databases (rs765516656, gnomAD 0.003%). This variant has not been reported in the literature in individuals affected with DVL1-related conditions. Invitae Evidence Modeling of protein sequence and biophysical properties (such as structural, functional, and spatial information, amino acid conservation, physicochemical variation, residue mobility, and thermodynamic stability) indicates that this missense variant is not expected to disrupt DVL1 protein function with a negative predictive value of 80%. In summary, the available evidence is currently insufficient to determine the role of this variant in disease. Therefore, it has been classified as a Variant of Uncertain Significance.